The following is an entry in ClinVar:

ClinVar aggregate classification (germline): Pathogenic (1 of 4 stars; one submission).

Conditions:
Bloom syndrome (BLM). Also called: Bloom-Torre-Machacek syndrome. Identifiers: Orphanet 125, MedGen C0005859, MONDO:0008876, OMIM 210900.

Submission:

Labcorp Genetics (formerly Invitae), Labcorp
Classification: Pathogenic for Bloom syndrome. Last evaluated: 2022-04-18. Review status: criteria provided, single submitter. Criteria: Invitae Variant Classification Sherloc (09022015). Collection method: clinical testing. Allele origin: germline.
Comment: For these reasons, this variant has been classified as Pathogenic. Algorithms developed to predict the effect of sequence changes on RNA splicing suggest that this variant may disrupt the consensus splice site. This variant has not been reported in the literature in individuals affected with BLM-related conditions. This variant is not present in population databases (gnomAD no frequency). This sequence change creates a premature translational stop signal (p.Gln365*) in the BLM gene. It is expected to result in an absent or disrupted protein product. Loss-of-function variants in BLM are known to be pathogenic (PMID: 17407155).

Literature cited by the submitters: PubMed 17407155.

NM_000057.4(BLM):c.1093C>T (p.Gln365Ter)

Gene: BLM (BLM RecQ like helicase; plus strand). Cytogenetic location: 15q26.1.
Variant type: single nucleotide variant.
Coding change: c.1093C>T on transcript NM_000057.4 (MANE Select); coding-DNA position 1093, C replaced by T.
Protein change: p.Gln365Ter; replaces glutamine 365 with a stop codon.
Molecular consequence: nonsense. On other transcripts: 5 prime UTR variant (1).
Genome position (GRCh38, 1-based): chr15:90,760,152, C>T. VCF-style: chr15-90760152-C-T. GRCh37 (hg19) VCF-style: chr15-91303382-C-T.
Other names: c.1093C>T, p.Gln365Ter (NM_001287246.2, NM_001287247.2); c.-33C>T (NM_001287248.2); short protein forms Q365*.
Identifiers: ClinVar variation 2123083 (VCV002123083.4), dbSNP rs2151157127, ClinGen allele CA393842293.
Genomic context (GRCh38, chr15:90,760,152, plus strand): 5'-AGACTTTTTTTTTTTTCCCTCAAAGAAAAATATTAACAACATAATTATTTTATAGCTAGA[C>T]AGATAAGTTTACAGCAGCAGCTTATTCATGTGATGGAGCACATCTGTAAATTAATTGATA-3'